The following is an entry in ClinVar:

ClinVar aggregate classification (germline): Conflicting classifications of pathogenicity. Review status: criteria provided, conflicting classifications (1 of 4 stars). 2 submissions from 2 submitters: Uncertain significance (1); Likely benign (1). Last evaluated 2024-08-11.

Conditions:
Inborn genetic diseases. Identifiers: MedGen C0950123, MeSH D030342.

Allele frequency attached by ClinVar (database versions not stated): gnomAD 0.00001; gnomAD exomes 0.00001; TOPMed 0.00003.
gnomAD v4.1: 16 of 1,613,456 alleles (0.00099%); highest among the groups gnomAD compares: African/African-American, 0.0013%; no homozygotes.

Submissions (2):

Ambry Genetics
Classification: Uncertain significance for Inborn genetic diseases. Last evaluated: 2024-08-11. Review status: criteria provided, single submitter. Criteria: Ambry Variant Classification Scheme 2023. Collection method: clinical testing. Allele origin: germline.

CeGaT Center for Human Genetics Tuebingen
Classification: Likely benign. Last evaluated: 2022-06-01. Review status: criteria provided, single submitter. Criteria: CeGaT Center For Human Genetics Tuebingen Variant Classification Criteria Version 2. Collection method: clinical testing. Allele origin: germline. Affected: yes. Observed: 1 variant allele.
Comment: RTN2: BP4

NM_005619.5(RTN2):c.587A>G (p.Gln196Arg)

Genes: OPA3-RTN2 (OPA3-RTN2 readthrough; minus strand), RTN2 (reticulon 2; minus strand). Cytogenetic location: 19q13.32.
Variant type: single nucleotide variant.
Coding change: c.587A>G on transcript NM_005619.5 (MANE Select); coding-DNA position 587, A replaced by G.
Protein change: p.Gln196Arg; replaces glutamine 196 with arginine.
Molecular consequence: missense variant.
Genome position (GRCh38, 1-based): chr19:45,494,393, T>C on the plus strand (A>G on the coding strand, the complement: RTN2 is on the minus strand). VCF-style: chr19-45494393-T-C. GRCh37 (hg19) VCF-style: chr19-45997651-T-C.
Other names: c.587A>G (NM_005619.3); c.587A>G, p.Gln196Arg (NM_206900.3); short protein forms Q196R.
Identifiers: ClinVar variation 2650114 (VCV002650114.25), dbSNP rs1440427338, ClinGen allele CA406361010.